The following is an entry in ClinVar:

ClinVar aggregate classification (germline): Uncertain significance. Review status: criteria provided, single submitter (1 of 4 stars). 2 submissions from 2 submitters: Uncertain significance (1). 1 of the submissions does not count toward it. Last evaluated 2021-11-25.

Conditions:
Hyperuricemia, pulmonary hypertension, renal failure, alkalosis syndrome (HUPRAS). Also called: HYPERURICEMIA, PULMONARY HYPERTENSION, RENAL FAILURE, AND ALKALOSIS SYNDROME; HUPRA SYNDROME. Identifiers: Orphanet 363694, MedGen C3151209, MONDO:0013458, OMIM 613845.

Allele frequency attached by ClinVar (database versions not stated): TOPMed below 0.00001; ExAC 0.00002; gnomAD 0.00002.

Submissions (2):

Labcorp Genetics (formerly Invitae), Labcorp
Classification: Uncertain significance. Last evaluated: 2021-11-25. Review status: criteria provided, single submitter. Criteria: Invitae Variant Classification Sherloc (09022015). Collection method: clinical testing. Allele origin: germline.
Comment: In summary, the available evidence is currently insufficient to determine the role of this variant in disease. Therefore, it has been classified as a Variant of Uncertain Significance. Algorithms developed to predict the effect of missense changes on protein structure and function are either unavailable or do not agree on the potential impact of this missense change (SIFT: "Tolerated"; PolyPhen-2: "Possibly Damaging"; Align-GVGD: "Class C0"). This variant has not been reported in the literature in individuals affected with SARS2-related conditions. This variant is present in population databases (rs753775025, gnomAD 0.004%). This sequence change replaces glycine, which is neutral and non-polar, with arginine, which is basic and polar, at codon 181 of the SARS2 protein (p.Gly181Arg).

Yan Lab, Department of Urology, Pediatric Urolith Center, National Clinical Research Center for Child Health, The Children’s Hospital of Zhejiang University School of Medicine
Classification: Uncertain significance for Hyperuricemia, pulmonary hypertension, renal failure, alkalosis syndrome. Review status: no assertion criteria provided. Collection method: research. Allele origin: germline. Affected: no. Not counted in ClinVar's aggregate classification.

NM_017827.4(SARS2):c.541G>A (p.Gly181Arg)

Gene: SARS2 (seryl-tRNA synthetase 2, mitochondrial; minus strand). Cytogenetic location: 19q13.2.
Variant type: single nucleotide variant.
Coding change: c.541G>A on transcript NM_017827.4 (MANE Select); coding-DNA position 541, G replaced by A.
Protein change: p.Gly181Arg; replaces glycine 181 with arginine.
Molecular consequence: missense variant.
Genome position (GRCh38, 1-based): chr19:38,921,440, C>T on the plus strand (G>A on the coding strand, the complement: SARS2 is on the minus strand). VCF-style: chr19-38921440-C-T. GRCh37 (hg19) VCF-style: chr19-39412080-C-T.
Other names: c.547G>A, p.Gly183Arg (NM_001145901.2); short protein forms G183R, G181R.
Identifiers: ClinVar variation 2054158 (VCV002054158.5), dbSNP rs753775025, ClinGen allele CA9423139.
Genomic context (GRCh38, chr19:38,921,440, plus strand): 5'-GGTGTGGCCCACCTGGCTTGTCTCCGACCATGTGGAGCACTCGAGCCTGGCTCTCATCCC[C>T]GACGGGCTGCAGGGAGACAGCAGGAGTCACGGAAAGGTGGCACTAGGTGGGCCCCTGGCC-3'
Protein context (NP_060297.1, residues 171-191): PNQTHPDVPV[Gly181Arg]DESQARVLHM